The following is an entry in ClinVar:

ClinVar aggregate classification (germline): Uncertain significance (1 of 4 stars; one submission).

Conditions:
Fraser syndrome 1 (FRASRS1). Also called: CRYPTOPHTHALMOS WITH OTHER MALFORMATIONS. Identifiers: Orphanet 2052, MedGen C4551480, MONDO:0054737, OMIM 219000.

Submission:

Laboratorio de Genetica e Diagnostico Molecular, Hospital Israelita Albert Einstein
Classification: Uncertain significance for Fraser syndrome 1. Last evaluated: 2023-11-01. Review status: criteria provided, single submitter. Criteria: ACMG Guidelines, 2015. Collection method: clinical testing. Allele origin: germline. Affected: yes.
Comment: ACMG classification criteria: PM2 moderate

NM_025074.7(FRAS1):c.4711+1601T>A

Gene: FRAS1 (Fraser extracellular matrix complex subunit 1; plus strand). Cytogenetic location: 4q21.21.
Variant type: single nucleotide variant.
Coding change: c.4711+1601T>A on transcript NM_025074.7 (MANE Select); 1601 bases into the intron after coding-DNA position 4711, T replaced by A.
Molecular consequence: intron variant.
Genome position (GRCh38, 1-based): chr4:78,426,021, T>A. VCF-style: chr4-78426021-T-A. GRCh37 (hg19) VCF-style: chr4-79347175-T-A.
Other names: c.4711+1601T>A (NM_001166133.2).
Identifiers: ClinVar variation 3902022 (VCV003902022.1).